The following is an entry in ClinVar:

ClinVar aggregate classification (germline): Uncertain significance. Review status: criteria provided, single submitter (1 of 4 stars). 2 submissions from 2 submitters: Uncertain significance (1). 1 of the submissions does not count toward it. Last evaluated 2024-08-14.

Conditions:
CTC1-related disorder. Also called: CTC1-related condition.
Dyskeratosis congenita. Identifiers: Orphanet 1775, MedGen C0265965, MONDO:0015780.

gnomAD v4.1: 8 of 1,613,400 alleles (0.0005%); highest among the groups gnomAD compares: Admixed American, 0.012%; no homozygotes.

Submissions (2):

Labcorp Genetics (formerly Invitae), Labcorp
Classification: Uncertain significance for Dyskeratosis congenita. Last evaluated: 2024-08-14. Review status: criteria provided, single submitter. Criteria: Invitae Variant Classification Sherloc (09022015). Collection method: clinical testing. Allele origin: germline.
Comment: This sequence change falls in intron 22 of the CTC1 gene. It does not directly change the encoded amino acid sequence of the CTC1 protein. It affects a nucleotide within the consensus splice site. This variant is present in population databases (no rsID available, gnomAD 0.003%). This variant has not been reported in the literature in individuals affected with CTC1-related conditions. ClinVar contains an entry for this variant (Variation ID: 1401705). Variants that disrupt the consensus splice site are a relatively common cause of aberrant splicing (PMID: 17576681, 9536098). Algorithms developed to predict the effect of sequence changes on RNA splicing suggest that this variant is not likely to affect RNA splicing. In summary, the available evidence is currently insufficient to determine the role of this variant in disease. Therefore, it has been classified as a Variant of Uncertain Significance.

PreventionGenetics, part of Exact Sciences
Classification: Likely benign for CTC1-related condition. Last evaluated: 2022-08-11. Review status: no assertion criteria provided. Collection method: clinical testing. Allele origin: germline. Not counted in ClinVar's aggregate classification.
Comment: This variant is classified as likely benign based on ACMG/AMP sequence variant interpretation guidelines (Richards et al. 2015 PMID: 25741868, with internal and published modifications).

Literature cited by the submitters: PubMed 17576681 (cited by Labcorp Genetics (formerly Invitae), Labcorp); PubMed 9536098 (cited by Labcorp Genetics (formerly Invitae), Labcorp).

NM_025099.6(CTC1):c.3515-3C>T

Gene: CTC1 (CST telomere replication complex component 1; minus strand). Cytogenetic location: 17p13.1.
Variant type: single nucleotide variant.
Coding change: c.3515-3C>T on transcript NM_025099.6 (MANE Select); 3 bases into the intron before coding-DNA position 3515, C replaced by T.
Molecular consequence: intron variant.
Genome position (GRCh38, 1-based): chr17:8,228,322, G>A on the plus strand (C>T on the coding strand, the complement: CTC1 is on the minus strand). VCF-style: chr17-8228322-G-A. GRCh37 (hg19) VCF-style: chr17-8131640-G-A.
Other names: c.3515-3C>T (NM_025099.5).
Identifiers: ClinVar variation 1401705 (VCV001401705.6), dbSNP rs776835897, ClinGen allele CA287529224.